The following is an entry in ClinVar:

NM_152564.5(VPS13B):c.11850_11853dup (p.Pro3952fs)

Gene: VPS13B (vacuolar protein sorting 13 homolog B; plus strand). Cytogenetic location: 8q22.2.
Variant type: Duplication.
Coding change: c.11850_11853dup on transcript NM_152564.5 (MANE Select); coding-DNA positions 11850 to 11853, 4 bases duplicated (AATA; older notation c.11850_11853dupAATA).
Protein change: p.Pro3952fs; shifts the reading frame from proline 3952.
Molecular consequence: frameshift variant.
Genome position (GRCh38, 1-based): chr8:99,875,522-99,875,525, AATA duplicated; duplicating any 4 consecutive bases within chr8:99,875,521-99,875,525 gives the same sequence; the c. name uses the placement nearest the transcript's 3' end. VCF-style (leftmost placement, unchanged base first): chr8-99875520-C-CAAAT. GRCh37 (hg19) VCF-style: chr8-100887748-C-CAAAT.
Other names: c.11925_11928dup, p.Pro3977fs (NM_017890.5); c.11925_11928dup (NM_017890.4); c.11925_11928dupAATA (NM_017890.4); short protein forms P3977fs, P3952fs.
Identifiers: ClinVar variation 556977 (VCV000556977.6), dbSNP rs1554590433, ClinGen allele CA658821992.

ClinVar aggregate classification (germline): Pathogenic/Likely pathogenic. Review status: criteria provided, multiple submitters, no conflicts (2 of 4 stars). 3 submissions from 3 submitters: Pathogenic (1); Likely pathogenic (1). 1 of the submissions does not count toward it. Last evaluated 2024-06-26.

Conditions:
Cohen syndrome (COH1). Also called: Cutis verticis gyrata, retinitis pigmentosa, and sensorineural deafness; PEPPER SYNDROME. Identifiers: Orphanet 193, MedGen C0265223, MONDO:0008999, OMIM 216550.

Submissions (3):

Labcorp Genetics (formerly Invitae), Labcorp
Classification: Pathogenic for Cohen syndrome. Last evaluated: 2024-06-26. Review status: criteria provided, single submitter. Criteria: Invitae Variant Classification Sherloc (09022015). Collection method: clinical testing. Allele origin: germline.
Comment: This sequence change creates a premature translational stop signal (p.Pro3977Asnfs*16) in the VPS13B gene. While this is not anticipated to result in nonsense mediated decay, it is expected to disrupt the last 46 amino acid(s) of the VPS13B protein. This variant is not present in population databases (gnomAD no frequency). This variant has not been reported in the literature in individuals affected with VPS13B-related conditions. ClinVar contains an entry for this variant (Variation ID: 556977). This variant disrupts a region of the VPS13B protein in which other variant(s) (p.Lys3991Leufs*23) have been determined to be pathogenic (Invitae). This suggests that this is a clinically significant region of the protein, and that variants that disrupt it are likely to be disease-causing. For these reasons, this variant has been classified as Pathogenic.

Fulgent Genetics
Classification: Likely pathogenic for Cohen syndrome. Last evaluated: 2024-05-01. Review status: criteria provided, single submitter. Criteria: ACMG Guidelines, 2015. Collection method: clinical testing. Allele origin: germline.

Counsyl
Classification: Uncertain significance for Cohen syndrome. Last evaluated: 2018-03-02. Review status: no assertion criteria provided. Collection method: clinical testing. Allele origin: unknown. Not counted in ClinVar's aggregate classification.